The following is an entry in ClinVar:

ClinVar aggregate classification (germline): Uncertain significance (1 of 4 stars; one submission).

Conditions:
Inborn genetic diseases. Identifiers: MedGen C0950123, MeSH D030342.

gnomAD v4.1: 2 of 1,613,944 alleles (0.00012%); highest among the groups gnomAD compares: Non-Finnish European, 0.00017%; no homozygotes.

Submission:

Ambry Genetics
Classification: Uncertain significance for Inborn genetic diseases. Last evaluated: 2025-09-02. Review status: criteria provided, single submitter. Criteria: Ambry Variant Classification Scheme 2023. Collection method: clinical testing. Allele origin: germline.
Comment: The p.V807A variant (also known as c.2420T>C), located in coding exon 13 of the ASXL1 gene, results from a T to C substitution at nucleotide position 2420. The valine at codon 807 is replaced by alanine, an amino acid with similar properties. This amino acid position is conserved. In addition, this alteration is predicted to be tolerated by in silico analysis. Based on the available evidence, the clinical significance of this variant remains unclear.

NM_015338.6(ASXL1):c.2420T>C (p.Val807Ala)

Gene: ASXL1 (ASXL transcriptional regulator 1; plus strand). Cytogenetic location: 20q11.21.
Variant type: single nucleotide variant.
Coding change: c.2420T>C on transcript NM_015338.6 (MANE Select); coding-DNA position 2420, T replaced by C.
Protein change: p.Val807Ala; replaces valine 807 with alanine.
Molecular consequence: missense variant.
Genome position (GRCh38, 1-based): chr20:32,435,132, T>C. VCF-style: chr20-32435132-T-C. GRCh37 (hg19) VCF-style: chr20-31022935-T-C.
Other names: c.2237T>C, p.Val746Ala (NM_001363734.1); short protein forms V746A, V807A.
Identifiers: ClinVar variation 4159459 (VCV004159459.1).
Genomic context (GRCh38, chr20:32,435,132, plus strand): 5'-CTGAATGTGAGTCTGGCACCACTTCCTGGGAAAGTGATGATGAGGAGCAAGGACCCACCG[T>C]TCCTGCAGACAATGGTCCCATTCCGTCTCTAGTGGGAGATGATACATTAGAGAAAGGAAC-3'
Protein context (NP_056153.2, residues 797-817): ESDDEEQGPT[Val807Ala]PADNGPIPSL